The following is an entry in ClinVar:

ClinVar aggregate classification (germline): Uncertain significance (1 of 4 stars; one submission).

Submission:

Labcorp Genetics (formerly Invitae), Labcorp
Classification: Uncertain significance. Last evaluated: 2022-08-30. Review status: criteria provided, single submitter. Criteria: Invitae Variant Classification Sherloc (09022015). Collection method: clinical testing. Allele origin: germline.
Comment: This sequence change replaces proline, which is neutral and non-polar, with glutamine, which is neutral and polar, at codon 660 of the NTRK2 protein (p.Pro660Gln). The frequency data for this variant in the population databases is considered unreliable, as metrics indicate poor data quality at this position in the gnomAD database. This variant has not been reported in the literature in individuals affected with NTRK2-related conditions. Advanced modeling of protein sequence and biophysical properties (such as structural, functional, and spatial information, amino acid conservation, physicochemical variation, residue mobility, and thermodynamic stability) performed at Invitae indicates that this missense variant is not expected to disrupt NTRK2 protein function. In summary, the available evidence is currently insufficient to determine the role of this variant in disease. Therefore, it has been classified as a Variant of Uncertain Significance.

NM_006180.6(NTRK2):c.1979C>A (p.Pro660Gln)

Gene: NTRK2 (neurotrophic receptor tyrosine kinase 2; plus strand). Cytogenetic location: 9q21.33.
Variant type: single nucleotide variant.
Coding change: c.1979C>A on transcript NM_006180.6 (MANE Select); coding-DNA position 1979, C replaced by A.
Protein change: p.Pro660Gln; replaces proline 660 with glutamine.
Molecular consequence: missense variant.
Genome position (GRCh38, 1-based): chr9:84,955,324, C>A. VCF-style: chr9-84955324-C-A. GRCh37 (hg19) VCF-style: chr9-87570239-C-A.
Other names: c.1931C>A, p.Pro644Gln (NM_001018064.3, NM_001369532.1, NM_001369533.1); c.1895C>A, p.Pro632Gln (NM_001369534.1); c.1463C>A, p.Pro488Gln (NM_001369535.1); c.1511C>A, p.Pro504Gln (NM_001369536.1); c.1979C>A, p.Pro660Gln (NM_001381928.1); short protein forms P488Q, P504Q, P632Q, P644Q, P660Q.
Identifiers: ClinVar variation 2127357 (VCV002127357.4), dbSNP rs201105177, ClinGen allele CA374009976.